The following is an entry in ClinVar:

NM_001348716.2(KDM6B):c.2118del (p.Arg707fs)

Gene: KDM6B (lysine demethylase 6B; plus strand). Cytogenetic location: 17p13.1.
Variant type: Deletion.
Coding change: c.2118del on transcript NM_001348716.2 (MANE Select); coding-DNA position 2118, one base deleted (T; older notation c.2118delT).
Protein change: p.Arg707fs; shifts the reading frame from arginine 707.
Molecular consequence: frameshift variant.
Genome position (GRCh38, 1-based): chr17:7,848,406, T deleted; the last of 2 consecutive T bases (chr17:7,848,405-7,848,406); deleting either gives the same sequence. VCF-style (leftmost placement, unchanged base first): chr17-7848404-AT-A. GRCh37 (hg19) VCF-style: chr17-7751722-AT-A.
Other names: c.2118del, p.Arg707fs (NM_001080424.2); short protein forms R707fs.
Identifiers: ClinVar variation 4622835 (VCV004622835.1).

ClinVar aggregate classification (germline): Pathogenic (1 of 4 stars; one submission).

Conditions:
Inborn genetic diseases. Identifiers: MedGen C0950123, MeSH D030342.

Submission:

Ambry Genetics
Classification: Pathogenic for Inborn genetic diseases. Last evaluated: 2025-10-09. Review status: criteria provided, single submitter. Criteria: Ambry Variant Classification Scheme 2023. Collection method: clinical testing. Allele origin: germline.
Comment: The c.2118delT (p.R707Afs*19) alteration, located in exon 11 (coding exon 8) of the KDM6B gene, consists of a deletion of one nucleotide at position 2118, causing a translational frameshift with a predicted alternate stop codon after 19 amino acids. This alteration is expected to result in loss of function by premature protein truncation or nonsense-mediated mRNA decay. This variant was not reported in population-based cohorts in the Genome Aggregation Database (gnomAD). Based on the available evidence, this alteration is classified as pathogenic.